The following is an entry in ClinVar:

ClinVar aggregate classification (germline): Conflicting classifications of pathogenicity. Review status: criteria provided, conflicting classifications (1 of 4 stars). 4 submissions from 4 submitters: Uncertain significance (2); Likely benign (2). Last evaluated 2024-04-25.

Conditions:
Hereditary cancer-predisposing syndrome. Also called: Hereditary neoplastic syndrome; Neoplastic Syndromes, Hereditary; Tumor predisposition; Hereditary Cancer Syndrome. Identifiers: Orphanet 140162, MedGen C0027672, MeSH D009386, MONDO:0015356.
Hereditary breast ovarian cancer syndrome. Also called: Hereditary breast and ovarian cancer syndrome (HBOC); Breast and ovarian cancer; Hereditary breast and/or ovarian cancer syndrome; BRCA1- and BRCA2-Associated Hereditary Breast and Ovarian Cancer; Hereditary breast and ovarian cancer syndrome; Hereditary breast and ovarian cancer. Identifiers: Orphanet 145, MedGen C0677776, MeSH D061325, MONDO:0003582. Disease mechanism: loss of function.

Allele frequency attached by ClinVar (database versions not stated): gnomAD exomes below 0.00001.

Submissions (4):

Labcorp Genetics (formerly Invitae), Labcorp
Classification: Uncertain significance for Hereditary breast ovarian cancer syndrome. Last evaluated: 2024-04-25. Review status: criteria provided, single submitter. Criteria: Invitae Variant Classification Sherloc (09022015). Collection method: clinical testing. Allele origin: germline.
Comment: This sequence change replaces methionine, which is neutral and non-polar, with valine, which is neutral and non-polar, at codon 1745 of the BRCA2 protein (p.Met1745Val). This variant is not present in population databases (gnomAD no frequency). This variant has not been reported in the literature in individuals affected with BRCA2-related conditions. ClinVar contains an entry for this variant (Variation ID: 185479). Advanced modeling of protein sequence and biophysical properties (such as structural, functional, and spatial information, amino acid conservation, physicochemical variation, residue mobility, and thermodynamic stability) performed at Invitae indicates that this missense variant is not expected to disrupt BRCA2 protein function with a negative predictive value of 95%. In summary, the available evidence is currently insufficient to determine the role of this variant in disease. Therefore, it has been classified as a Variant of Uncertain Significance.

Ambry Genetics
Classification: Likely benign for Hereditary cancer-predisposing syndrome. Last evaluated: 2024-03-20. Review status: criteria provided, single submitter. Criteria: Ambry Variant Classification Scheme 2023. Collection method: clinical testing. Allele origin: germline.

University of Washington Department of Laboratory Medicine, University of Washington
Classification: Likely benign for Hereditary cancer-predisposing syndrome. Last evaluated: 2023-03-23. Review status: criteria provided, single submitter. Criteria: Dines et al. (Genet Med. 2020). Collection method: curation. Allele origin: germline.
Comment: Missense variant in a coldspot region where missense variants are very unlikely to be pathogenic (PMID:31911673).

BRCA2 exon 11 coldspot. Reclassification based on statistical prior probability.

Color Diagnostics, LLC DBA Color Health
Classification: Uncertain significance for Hereditary cancer-predisposing syndrome. Last evaluated: 2019-04-19. Review status: criteria provided, single submitter. Criteria: ACMG Guidelines, 2015. Collection method: clinical testing. Allele origin: germline.

NM_000059.4(BRCA2):c.5233A>G (p.Met1745Val)

Gene: BRCA2 (BRCA2 DNA repair associated; plus strand). Cytogenetic location: 13q13.1.
Variant type: single nucleotide variant.
Coding change: c.5233A>G on transcript NM_000059.4 (MANE Select); coding-DNA position 5233, A replaced by G.
Protein change: p.Met1745Val; replaces methionine 1745 with valine.
Molecular consequence: missense variant.
Genome position (GRCh38, 1-based): chr13:32,339,588, A>G. VCF-style: chr13-32339588-A-G. GRCh37 (hg19) VCF-style: chr13-32913725-A-G.
Other names: short protein forms M1745V.
Identifiers: ClinVar variation 185479 (VCV000185479.19), dbSNP rs786202206, ClinGen allele CA021819.